The following is an entry in ClinVar:

NM_004415.4(DSP):c.8173del (p.Arg2725fs)

Gene: DSP (desmoplakin; plus strand). Cytogenetic location: 6p24.3.
Variant type: Deletion.
Coding change: c.8173del on transcript NM_004415.4 (MANE Select); coding-DNA position 8173, one base deleted (C; older notation c.8173delC).
Protein change: p.Arg2725fs; shifts the reading frame from arginine 2725.
Molecular consequence: frameshift variant.
Genome position (GRCh38, 1-based): chr6:7,585,435, C deleted. VCF-style (leftmost placement, unchanged base first): chr6-7585434-GC-G. GRCh37 (hg19) VCF-style: chr6-7585667-GC-G.
Other names: c.6376del, p.Arg2126fs (NM_001008844.3); c.6844del, p.Arg2282fs (NM_001319034.2); short protein forms R2282fs, R2126fs, R2725fs.
Identifiers: ClinVar variation 952890 (VCV000952890.10), dbSNP rs1759623444, ClinGen allele CA1139659426.
Genomic context (GRCh38, chr6:7,585,434, plus strand): 5'-GAAGAAGATGTCAGCAGCAGAGGCAGTGAAAGAAAAATGGCTCCCGTATGAGGCTGGCCA[GC>G]GCTTCCTGGAGTTCCAGTACCTCACGGGAGGTCTTGTTGACCCGGAAGTGCATGGGAGGA-3'

ClinVar aggregate classification (germline): Pathogenic (1 of 4 stars; one submission).

Conditions:
Arrhythmogenic cardiomyopathy with wooly hair and keratoderma. Also called: Carvajal syndrome; PALMOPLANTAR KERATODERMA WITH LEFT VENTRICULAR CARDIOMYOPATHY AND WOOLLY HAIR; Dilated cardiomyopathy with woolly hair and keratoderma; Arrhythmogenic cardiomyopathy with woolly hair and keratoderma. Identifiers: Orphanet 65282, MedGen C1854063, MONDO:0011581, OMIM 605676.
Arrhythmogenic right ventricular dysplasia 8 (ARVD8). Also called: ARRHYTHMOGENIC RIGHT VENTRICULAR DYSPLASIA, FAMILIAL, 8; ARRHYTHMOGENIC RIGHT VENTRICULAR CARDIOMYOPATHY 8; Arrhythmogenic Right Ventricular Dysplasia/Cardiomyopathy 8. Identifiers: MedGen C1843896, MONDO:0011831, OMIM 607450.

Submission:

Labcorp Genetics (formerly Invitae), Labcorp
Classification: Pathogenic for Arrhythmogenic cardiomyopathy with wooly hair and keratoderma; Arrhythmogenic right ventricular dysplasia 8. Last evaluated: 2024-04-29. Review status: criteria provided, single submitter. Criteria: Invitae Variant Classification Sherloc (09022015). Collection method: clinical testing. Allele origin: germline.
Comment: This sequence change creates a premature translational stop signal (p.Arg2725Alafs*21) in the DSP gene. While this is not anticipated to result in nonsense mediated decay, it is expected to disrupt the last 147 amino acid(s) of the DSP protein. This variant is not present in population databases (gnomAD no frequency). This premature translational stop signal has been observed in individual(s) with arrhythmogenic cardiomyopathy (PMID: 32372669). ClinVar contains an entry for this variant (Variation ID: 952890). This variant disrupts a region of the DSP protein in which other variant(s) (p.Glu2728Glyfs*11) have been determined to be pathogenic (Invitae). This suggests that this is a clinically significant region of the protein, and that variants that disrupt it are likely to be disease-causing. For these reasons, this variant has been classified as Pathogenic.

Literature cited by the submitters: PubMed 32372669.